The following is an entry in ClinVar:

ClinVar aggregate classification (germline): Uncertain significance. Review status: criteria provided, multiple submitters, no conflicts (2 of 4 stars). 4 submissions from 4 submitters: Uncertain significance (4). Last evaluated 2026-04-20.

Conditions:
Chronic infantile neurological, cutaneous and articular syndrome (CINCA). Also called: CHRONIC NEUROLOGIC CUTANEOUS AND ARTICULAR SYNDROME; Prieur Griscelli syndrome; CINCA syndrome; CRYOPYRIN-ASSOCIATED PERIODIC SYNDROME 3. Identifiers: Orphanet 1451, MedGen C0409818, MONDO:0011776, OMIM 607115.
Hearing loss, autosomal dominant 34, with or without inflammation. Also called: DEAFNESS, AUTOSOMAL DOMINANT 34, WITH OR WITHOUT INFLAMMATION. Identifiers: MedGen C4521680, MONDO:0033261, OMIM 617772.
Keratitis fugax hereditaria. Also called: KERATOENDOTHELIITIS FUGAX HEREDITARIA. Identifiers: Orphanet 647815, MedGen C1835697, MONDO:0007849, OMIM 148200.
Familial amyloid nephropathy with urticaria AND deafness (MWS). Also called: MUCKLE-WELLS SYNDROME; Urticaria, deafness and amyloidosis; UDA SYNDROME; URTICARIA-DEAFNESS-AMYLOIDOSIS SYNDROME; CRYOPYRIN-ASSOCIATED PERIODIC SYNDROME 2. Identifiers: Orphanet 575, MedGen C0268390, MONDO:0008633, OMIM 191900.
Familial cold autoinflammatory syndrome 1 (FCAS1). Also called: CRYOPYRIN-ASSOCIATED PERIODIC SYNDROME 1; Familial cold inflammatory syndrome 1. Identifiers: Orphanet 47045, MedGen C4551895, MONDO:0007349, OMIM 120100.
Cryopyrin associated periodic syndrome (CAPS). Identifiers: Orphanet 208650, MedGen C2316212, MONDO:0016168.
Autoinflammatory syndrome. Identifiers: Orphanet 93665, MedGen C3890737, MONDO:0019751.

Allele frequency attached by ClinVar (database versions not stated): TOPMed 0.00001; ExAC 0.00002; gnomAD exomes 0.00002.
gnomAD v4.1: 12 of 1,613,456 alleles (0.00074%); highest among the groups gnomAD compares: Non-Finnish European, 0.001%; no homozygotes.

Submissions (4):

Women's Health and Genetics/Laboratory Corporation of America, LabCorp
Classification: Uncertain significance. Last evaluated: 2026-04-20. Review status: criteria provided, single submitter. Criteria: LabCorp Variant Classification Summary - May 2015. Collection method: clinical testing. Allele origin: germline.

Fulgent Genetics
Classification: Uncertain significance for Familial cold autoinflammatory syndrome 1; Keratitis fugax hereditaria; Familial amyloid nephropathy with urticaria AND deafness; Chronic infantile neurological, cutaneous and articular syndrome; Hearing loss, autosomal dominant 34, with or without inflammation. Last evaluated: 2021-12-21. Review status: criteria provided, single submitter. Criteria: ACMG Guidelines, 2015. Collection method: clinical testing. Allele origin: unknown.

Labcorp Genetics (formerly Invitae), Labcorp
Classification: Uncertain significance for Cryopyrin associated periodic syndrome. Last evaluated: 2021-06-29. Review status: criteria provided, single submitter. Criteria: Invitae Variant Classification Sherloc (09022015). Collection method: clinical testing. Allele origin: germline.
Comment: This sequence change falls in intron 2 of the NLRP3 gene. It does not directly change the encoded amino acid sequence of the NLRP3 protein, but it affects a nucleotide within the consensus splice site of the intron. This variant is present in population databases (rs201165941, ExAC 0.003%). This variant has not been reported in the literature in individuals with NLRP3-related conditions. Nucleotide substitutions within the consensus splice site are a relatively common cause of aberrant splicing (PMID: 17576681, 9536098). Algorithms developed to predict the effect of sequence changes on RNA splicing suggest that this variant is not likely to affect RNA splicing, but this prediction has not been confirmed by published transcriptional studies. In summary, the available evidence is currently insufficient to determine the role of this variant in disease. Therefore, it has been classified as a Variant of Uncertain Significance.

Genome Diagnostics Laboratory, The Hospital for Sick Children
Classification: Uncertain significance for Autoinflammatory syndrome. Last evaluated: 2021-03-22. Review status: criteria provided, single submitter. Criteria: ACMG Guidelines, 2015. Collection method: clinical testing. Allele origin: germline. Affected: yes.

Literature cited by the submitters: PubMed 17576681 (cited by Labcorp Genetics (formerly Invitae), Labcorp); PubMed 9536098 (cited by Labcorp Genetics (formerly Invitae), Labcorp).

NM_001243133.2(NLRP3):c.397+6C>T

Gene: NLRP3 (NLR family pyrin domain containing 3; plus strand). Cytogenetic location: 1q44.
Variant type: single nucleotide variant.
Coding change: c.397+6C>T on transcript NM_001243133.2 (MANE Select); 6 bases into the intron after coding-DNA position 397, C replaced by T.
Molecular consequence: intron variant.
Genome position (GRCh38, 1-based): chr1:247,423,355, C>T. VCF-style: chr1-247423355-C-T. GRCh37 (hg19) VCF-style: chr1-247586657-C-T.
Other names: c.403+6C>T (NM_004895.5); c.397+6C>T (NM_001127461.3, NM_001127462.3, NM_183395.3 and 1 more transcripts).
Identifiers: ClinVar variation 1023990 (VCV001023990.14), dbSNP rs201165941, ClinGen allele CA1494838.